The following is an entry in ClinVar:

ClinVar aggregate classification (germline): Uncertain significance (1 of 4 stars; one submission).

Allele frequency attached by ClinVar (database versions not stated): gnomAD exomes below 0.00001.
gnomAD v4.1: 1 of 1,211,350 alleles (0.000083%); highest among the groups gnomAD compares: South Asian, 0.0018%; no homozygotes.

Submission:

GeneDx
Classification: Uncertain significance. Last evaluated: 2023-05-11. Review status: criteria provided, single submitter. Criteria: GeneDx Variant Classification Process June 2021. Collection method: clinical testing. Allele origin: germline. Affected: yes.
Comment: Not observed at significant frequency in large population cohorts (gnomAD); In silico analysis supports that this missense variant does not alter protein structure/function; In silico analysis suggests this variant may impact gene splicing. In the absence of RNA/functional studies, the actual effect of this sequence change is unknown.; Has not been previously published as pathogenic or benign to our knowledge

NM_015107.3(PHF8):c.2305C>T (p.Pro769Ser)

Gene: PHF8 (PHD finger protein 8; minus strand). Cytogenetic location: Xp11.22.
Variant type: single nucleotide variant.
Coding change: c.2305C>T on transcript NM_015107.3 (MANE Select); coding-DNA position 2305, C replaced by T.
Protein change: p.Pro769Ser; replaces proline 769 with serine.
Molecular consequence: missense variant.
Genome position (GRCh38, 1-based): chrX:53,985,052, G>A on the plus strand (C>T on the coding strand, the complement: PHF8 is on the minus strand). VCF-style: chrX-53985052-G-A. GRCh37 (hg19) VCF-style: chrX-54011485-G-A.
Other names: c.2413C>T, p.Pro805Ser (NM_001184896.1); c.2002C>T, p.Pro668Ser (NM_001184897.2); c.2254C>T, p.Pro752Ser (NM_001184898.2); short protein forms P668S, P752S, P769S, P805S.
Identifiers: ClinVar variation 2663244 (VCV002663244.1), dbSNP rs2519516061, ClinGen allele CA413252321.